The following is an entry in ClinVar:

NM_198407.2(GHSR):c.337G>C (p.Asp113His)

Gene: GHSR (growth hormone secretagogue receptor; minus strand). Cytogenetic location: 3q26.31.
Variant type: single nucleotide variant.
Coding change: c.337G>C on transcript NM_198407.2 (MANE Select); coding-DNA position 337, G replaced by C.
Protein change: p.Asp113His; replaces aspartic acid 113 with histidine.
Molecular consequence: missense variant.
Genome position (GRCh38, 1-based): chr3:172,448,077, C>G on the plus strand (G>C on the coding strand, the complement: GHSR is on the minus strand). VCF-style: chr3-172448077-C-G. GRCh37 (hg19) VCF-style: chr3-172165867-C-G.
Other names: c.337G>C, p.Asp113His (NM_004122.2); short protein forms D113H.
Identifiers: ClinVar variation 2047338 (VCV002047338.4), dbSNP rs2473557658, ClinGen allele CA355514992.

ClinVar aggregate classification (germline): Uncertain significance (1 of 4 stars; one submission).

Submission:

Labcorp Genetics (formerly Invitae), Labcorp
Classification: Uncertain significance. Last evaluated: 2021-12-18. Review status: criteria provided, single submitter. Criteria: Invitae Variant Classification Sherloc (09022015). Collection method: clinical testing. Allele origin: germline.
Comment: In summary, the available evidence is currently insufficient to determine the role of this variant in disease. Therefore, it has been classified as a Variant of Uncertain Significance. Algorithms developed to predict the effect of missense changes on protein structure and function are either unavailable or do not agree on the potential impact of this missense change (SIFT: "Deleterious"; PolyPhen-2: "Probably Damaging"; Align-GVGD: "Class C15"). This variant has not been reported in the literature in individuals affected with GHSR-related conditions. This variant is not present in population databases (gnomAD no frequency). This sequence change replaces aspartic acid, which is acidic and polar, with histidine, which is basic and polar, at codon 113 of the GHSR protein (p.Asp113His).